The following is an entry in ClinVar:

NM_177438.3(DICER1):c.2187T>A (p.His729Gln)

Gene: DICER1 (dicer 1, ribonuclease III; minus strand). Cytogenetic location: 14q32.13.
Variant type: single nucleotide variant.
Coding change: c.2187T>A on transcript NM_177438.3 (MANE Select); coding-DNA position 2187, T replaced by A.
Protein change: p.His729Gln; replaces histidine 729 with glutamine.
Molecular consequence: missense variant.
Genome position (GRCh38, 1-based): chr14:95,111,386, A>T on the plus strand (T>A on the coding strand, the complement: DICER1 is on the minus strand). VCF-style: chr14-95111386-A-T. GRCh37 (hg19) VCF-style: chr14-95577723-A-T.
Other names: c.2187T>A, p.His729Gln (NM_001195573.1, NM_001271282.3, NM_001291628.2 and 1 more transcripts); short protein forms H729Q.
Identifiers: ClinVar variation 849064 (VCV000849064.11), dbSNP rs1891945229, ClinGen allele CA390882681.

ClinVar aggregate classification (germline): Uncertain significance (1 of 4 stars; one submission).

Conditions:
DICER1-related tumor predisposition. Also called: DICER1 syndrome; DICER1-related pleuropulmonary blastoma cancer predisposition syndrome. Identifiers: Orphanet 284343, MedGen C3839822, MONDO:0100216.

gnomAD v4.1: 4 of 1,614,170 alleles (0.00025%); highest among the groups gnomAD compares: Non-Finnish European, 0.00034%; no homozygotes.

Submission:

Labcorp Genetics (formerly Invitae), Labcorp
Classification: Uncertain significance for DICER1-related tumor predisposition. Last evaluated: 2019-11-26. Review status: criteria provided, single submitter. Criteria: Invitae Variant Classification Sherloc (09022015). Collection method: clinical testing. Allele origin: germline.
Comment: This sequence change replaces histidine with glutamine at codon 729 of the DICER1 protein (p.His729Gln). The histidine residue is highly conserved and there is a small physicochemical difference between histidine and glutamine. This variant is not present in population databases (ExAC no frequency). This variant has not been reported in the literature in individuals with DICER1-related conditions. Algorithms developed to predict the effect of missense changes on protein structure and function are either unavailable or do not agree on the potential impact of this missense change (SIFT: "Tolerated"; PolyPhen-2: "Probably Damaging"; Align-GVGD: "Class C0"). In summary, the available evidence is currently insufficient to determine the role of this variant in disease. Therefore, it has been classified as a Variant of Uncertain Significance.